The following is an entry in ClinVar:

ClinVar aggregate classification (germline): Pathogenic (1 of 4 stars; one submission).

Conditions:
Hereditary cancer-predisposing syndrome. Also called: Hereditary Cancer Syndrome; Hereditary neoplastic syndrome; Neoplastic Syndromes, Hereditary; Tumor predisposition. Identifiers: Orphanet 140162, MedGen C0027672, MeSH D009386, MONDO:0015356.

Submission:

Hereditary Cancer Laboratory, Hospital Universitario 12 de Octubre
Classification: Pathogenic for Hereditary cancer-predisposing syndrome. Last evaluated: 2024-10-17. Review status: criteria provided, single submitter. Criteria: ACMG Guidelines, 2015. Collection method: clinical testing. Allele origin: germline.
Comment: PVS1+PM2

NM_024675.4(PALB2):c.2518G>T (p.Glu840Ter)

Gene: PALB2 (partner and localizer of BRCA2; minus strand). Cytogenetic location: 16p12.2.
Variant type: single nucleotide variant.
Coding change: c.2518G>T on transcript NM_024675.4 (MANE Select); coding-DNA position 2518, G replaced by T.
Protein change: p.Glu840Ter; replaces glutamic acid 840 with a stop codon.
Molecular consequence: nonsense. On other transcripts: intron variant (1).
Genome position (GRCh38, 1-based): chr16:23,629,272, C>A on the plus strand (G>T on the coding strand, the complement: PALB2 is on the minus strand). VCF-style: chr16-23629272-C-A. GRCh37 (hg19) VCF-style: chr16-23640593-C-A.
Other names: c.2458G>T, p.Glu820Ter (NM_001407296.1); c.2518G>T, p.Glu840Ter (NM_001407298.1, NM_001407299.1, NM_001407300.1 and 2 more transcripts); c.1633G>T, p.Glu545Ter (NM_001407304.1, NM_001407305.1, NM_001407306.1 and 5 more transcripts); c.730G>T, p.Glu244Ter (NM_001407312.1, NM_001407313.1); c.52G>T, p.Glu18Ter (NM_001407314.1); c.2514+368G>T (NM_001407297.1); short protein forms E18*, E244*, E545*, E820*, E840*.
Identifiers: ClinVar variation 3906174 (VCV003906174.1).